The following is an entry in ClinVar:

ClinVar aggregate classification (germline): Uncertain significance (1 of 4 stars; one submission).

Submission:

GeneDx
Classification: Uncertain significance. Last evaluated: 2026-06-06. Review status: criteria provided, single submitter. Criteria: GeneDx Variant Classification Process June 2021. Collection method: clinical testing. Allele origin: germline.
Comment: Not observed at significant frequency in large population cohorts (gnomAD); In silico analysis suggests that this missense variant does not alter protein structure/function; Has not been previously published as pathogenic or benign to our knowledge

NM_004973.4(JARID2):c.3011G>A (p.Ser1004Asn)

Gene: JARID2 (jumonji and AT-rich interaction domain containing 2; plus strand). Cytogenetic location: 6p22.3.
Variant type: single nucleotide variant.
Coding change: c.3011G>A on transcript NM_004973.4 (MANE Select); coding-DNA position 3011, G replaced by A.
Protein change: p.Ser1004Asn; replaces serine 1004 with asparagine.
Molecular consequence: missense variant.
Genome position (GRCh38, 1-based): chr6:15,512,266, G>A. VCF-style: chr6-15512266-G-A. GRCh37 (hg19) VCF-style: chr6-15512497-G-A.
Other names: c.2495G>A, p.Ser832Asn (NM_001267040.1); short protein forms S1004N, S832N.
Identifiers: ClinVar variation 3364001 (VCV003364001.2).